The following is an entry in ClinVar:

ClinVar aggregate classification (germline): Pathogenic. Review status: criteria provided, multiple submitters, no conflicts (2 of 4 stars). 12 submissions from 12 submitters: Pathogenic (8). 4 of the submissions do not count toward it. Last evaluated 2024-09-10.

Conditions:
Breast-ovarian cancer, familial, susceptibility to, 1 (BROVCA1). Also called: BRCA1 Hereditary Breast and Ovarian Cancer; OVARIAN CANCER, SUSCEPTIBILITY TO. Identifiers: Orphanet 145, MedGen C2676676, MONDO:0011450, OMIM 604370. Disease mechanism: loss of function.
Gastric cancer. Also called: Malignant tumor of stomach; Stomach cancer. Identifiers: MedGen C0024623, MeSH D013274, MONDO:0001056, OMIM 613659, HP:0012126.
Hereditary cancer-predisposing syndrome. Also called: Hereditary Cancer Syndrome; Hereditary neoplastic syndrome; Neoplastic Syndromes, Hereditary; Tumor predisposition. Identifiers: Orphanet 140162, MedGen C0027672, MeSH D009386, MONDO:0015356.
Hereditary breast ovarian cancer syndrome. Also called: BRCA1- and BRCA2-Associated Hereditary Breast and Ovarian Cancer; Hereditary breast and ovarian cancer syndrome; Hereditary breast and ovarian cancer syndrome (HBOC); Breast and ovarian cancer; Hereditary breast and/or ovarian cancer syndrome; Hereditary breast and ovarian cancer. Identifiers: Orphanet 145, MedGen C0677776, MeSH D061325, MONDO:0003582. Disease mechanism: loss of function.

Allele frequency attached by ClinVar (database versions not stated): gnomAD 0.00001.
gnomAD v4.1: 1 of 1,613,482 alleles (0.000062%); highest among the groups gnomAD compares: Admixed American, 0.0017%; no homozygotes.

Submissions 1 to 6 of 13:

Labcorp Genetics (formerly Invitae), Labcorp
Classification: Pathogenic for Hereditary breast ovarian cancer syndrome. Last evaluated: 2024-09-10. Review status: criteria provided, single submitter. Criteria: Invitae Variant Classification Sherloc (09022015). Collection method: clinical testing. Allele origin: germline.
Comment: This sequence change affects an acceptor splice site in intron 19 of the BRCA1 gene. RNA analysis indicates that disruption of this splice site induces altered splicing and may result in an absent or altered protein product. This variant is not present in population databases (gnomAD no frequency). Disruption of this splice site has been observed in individual(s) with a personal or family history of breast and/or ovarian cancer (PMID: 11802208, 12955716, 16998791, 27553291, 28802053, 29176636). ClinVar contains an entry for this variant (Variation ID: 55501). Studies have shown that disruption of this splice site alters mRNA splicing and is expected to lead to the loss of protein expression (PMID: 22505045). For these reasons, this variant has been classified as Pathogenic.

All of Us Research Program, National Institutes of Health
Classification: Pathogenic for Breast-ovarian cancer, familial, susceptibility to, 1. Last evaluated: 2023-12-13. Review status: criteria provided, single submitter. Criteria: ACMG Guidelines, 2015. Collection method: clinical testing. Allele origin: germline. Inheritance: Autosomal dominant inheritance. Observed: 1 variant allele, 1 heterozygote.
Comment: This variant causes a G to C nucleotide substitution at the -1 position of intron 19 of the BRCA1 gene. A study using peripheral blood-derived RNA from a carrier has shown that this variant causes skipping of exon 20 (also known as exon 21 in the literature) and is expected to result in an absent or non-functional protein product (PMID: 22505045). A functional study has reported that this variant impacts BRCA1 function in a haploid cell proliferation assay (PMID: 30209399). This variant has been detected in at least 10 individuals and families affected with breast and/or ovarian cancer (PMID: 12955716, 28802053, 29435039, 29752822, 30078507, 30287823, 30720863, 31528241, 35377489; Color internal data). This variant has not been identified in the general population by the Genome Aggregation Database (gnomAD). Loss of BRCA1 function is a known mechanism of disease. Based on the available evidence, this variant is classified as Pathogenic.

This study involves interpretation of variants in research participants for the purpose of population health screening. Participant phenotype was not available at the time of variant classification. Additional details can be found in publication PMID: 35346344, PMCID: PMC8962531

Color Diagnostics, LLC DBA Color Health
Classification: Pathogenic for Hereditary cancer-predisposing syndrome. Last evaluated: 2023-10-19. Review status: criteria provided, single submitter. Criteria: ACMG Guidelines, 2015. Collection method: clinical testing. Allele origin: germline.
Comment: This variant causes a G to C nucleotide substitution at the -1 position of intron 19 of the BRCA1 gene. A study using peripheral blood-derived RNA from a carrier has shown that this variant causes skipping of exon 20 (also known as exon 21 in the literature) and is expected to result in an absent or non-functional protein product (PMID: 22505045). A functional study has reported that this variant impacts BRCA1 function in a haploid cell proliferation assay (PMID: 30209399). This variant has been detected in at least 10 individuals and families affected with breast and/or ovarian cancer (PMID: 12955716, 28802053, 29435039, 29752822, 30078507, 30287823, 30720863, 31528241, 35377489; Color internal data). This variant has not been identified in the general population by the Genome Aggregation Database (gnomAD). Loss of BRCA1 function is a known mechanism of disease. Based on the available evidence, this variant is classified as Pathogenic.

Women's Health and Genetics/Laboratory Corporation of America, LabCorp
Classification: Pathogenic for Hereditary breast ovarian cancer syndrome. Last evaluated: 2023-01-25. Review status: criteria provided, single submitter. Criteria: LabCorp Variant Classification Summary - May 2015. Collection method: clinical testing. Allele origin: germline.
Comment: Variant summary: BRCA1 c.5278-1G>C is located in a canonical splice-site and is predicted to affect mRNA splicing resulting in a significantly altered protein due to either exon skipping, shortening, or inclusion of intronic material. Several computational tools predict a significant impact on normal splicing: Four predict the variant abolishes a 3' acceptor site. Three predict the variant strengthens a cryptic 3' acceptor site. At least one publication reports experimental evidence that this variant affects mRNA splicing, resulting in exon skipping (Houdayer_2012). The variant was absent in 251146 control chromosomes (gnomAD. c.5278-1G>C has been reported in the literature in many individuals affected with Hereditary Breast And Ovarian Cancer Syndrome, particularly individuals affected with breast cancer (e.g., de la Hoya_2002, Rashid_2006, Houdayer_2012, Lang_2017, Arai_2018, Deng_2019, Rashid_2022). These data indicate that the variant is likely to be associated with disease. At least one publication reports experimental evidence evaluating an impact on protein function, finding that a haploid human cell line harboring the variant and in which BRCA1 was essential showed complete loss of fitness (Findlay_2018). Six ClinVar submitters (evaluation after 2014) have cited the variant, and all laboratories classified the variant as pathogenic. Based on the evidence outlined above, the variant was classified as pathogenic.

Ambry Genetics
Classification: Pathogenic for Hereditary cancer-predisposing syndrome. Last evaluated: 2022-10-07. Review status: criteria provided, single submitter. Criteria: Ambry Variant Classification Scheme 2023. Collection method: clinical testing. Allele origin: germline.
Comment: The c.5278-1G>C intronic pathogenic mutation results from a G to C substitution one nucleotide upstream from coding exon 19 of the BRCA1 gene. This mutation has been reported in multiple hereditary breast and ovarian cancer (HBOC) families (De la Hoya M et al. Int J Cancer. 2002 Feb 1;97(4):466-71; Rashid MU et al. BMC Cancer. 2016 Aug 23;16(1):673; Pelttari LM et al. Clin Genet. 2017 Aug 12; Rebbeck TR et al. Hum Mutat, 2018 05;39:593-620; Arai M et al. J Hum Genet, 2018 Apr;63:447-457; Fang M et al. Oncol Lett, 2018 Mar;15:3068-3074; Li A et al. Gynecol Oncol, 2018 10;151:145-152; Li JY et al. Int J Cancer, 2019 01;144:281-289; Bhaskaran SP et al. Int J Cancer, 2019 08;145:962-973; Deng M et al. Int J Cancer, 2019 09;145:1517-1528). RNA analyses demonstrated skipping of coding exon 19 (also known as exon 21) as a result of this alteration (Ambry internal data; Houdayer C et al. Hum Mutat. 2012 Aug;33(8):1228-38). Another functional study found that this nucleotide substitution is non-functional in a high throughput genome editing haploid cell survival assay (Findlay GM et al. Nature, 2018 10;562:217-222). Of note, this alteration is also designated as IVS20-1G>C in published literature. This variant is considered to be rare based on population cohorts in the Genome Aggregation Database (gnomAD). In silico splice site analysis predicts that this alteration will weaken the native splice acceptor site and will result in the creation or strengthening of a novel splice acceptor site. In addition to the clinical data presented in the literature, alterations that disrupt the canonical splice site are expected to cause aberrant splicing, resulting in an abnormal protein or a transcript that is subject to nonsense-mediated mRNA decay. As such, this alteration is classified as a disease-causing mutation.

GeneDx
Classification: Pathogenic. Last evaluated: 2021-09-20. Review status: criteria provided, single submitter. Criteria: GeneDx Variant Classification Process June 2021. Collection method: clinical testing. Allele origin: germline. Affected: yes.
Comment: Canonical splice site variant demonstrated to result in abnormal splicing leading to a null allele in a gene for which loss-of-function is a known mechanism of disease (Houdayer 2012); Observed in individuals with BRCA1-related cancer (de la Hoya 2002, Rashid 2016, Pelttari 2017, Fang 2018, Li 2019); Published functional studies demonstrate a damaging effect: classified as non-functional based on a saturation genome editing (SGE) assay measuring cell survival (Findlay 2018); Not observed at significant frequency in large population cohorts (Lek 2016); Also known as 5397-1G>C and IVS20-1G>C; This variant is associated with the following publications: (PMID: 11802208, 31131967, 22505045, 30209399, 29435039, 27553291, 29752822, 28802053, 12955716, 26681312, 30702160, 30720863, 30078507, 29446198, 25525159)

NM_007294.4(BRCA1):c.5278-1G>C

Gene: BRCA1 (BRCA1 DNA repair associated; minus strand). Cytogenetic location: 17q21.31.
Variant type: single nucleotide variant.
Coding change: c.5278-1G>C on transcript NM_007294.4 (MANE Select); the canonical splice acceptor site of the intron before coding-DNA position 5278, G replaced by C.
Molecular consequence: splice acceptor variant. On other transcripts: intron variant (2).
Genome position (GRCh38, 1-based): chr17:43,051,118, C>G on the plus strand (G>C on the coding strand, the complement: BRCA1 is on the minus strand). VCF-style: chr17-43051118-C-G. GRCh37 (hg19) VCF-style: chr17-41203135-C-G.
Other names: IVS20-1G>C; c.1465-1G>C (NM_001408512.1); c.1588-1G>C (NM_001408510.1); c.5068-1G>C (NM_001407885.1, NM_001407886.1, NM_001407881.1 and 5 more transcripts); c.1822-1G>C (NM_001408470.1, NM_001408469.1, NM_001408468.1); c.5131-1G>C (NM_001407848.1, NM_001407839.1, NM_001407842.1 and 12 more transcripts); c.5134-1G>C (NM_001407745.1, NM_001407737.1, NM_001407746.1 and 21 more transcripts); c.5014-1G>C (NM_001407922.1, NM_001407925.1, NM_001407921.1 and 4 more transcripts); and 75 more.
Identifiers: ClinVar variation 55501 (VCV000055501.76), dbSNP rs80358099, ClinGen allele CA003434.